The following is an entry in ClinVar:

NM_001243133.2(NLRP3):c.785T>C (p.Val262Ala)

Gene: NLRP3 (NLR family pyrin domain containing 3; plus strand). Cytogenetic location: 1q44.
Variant type: single nucleotide variant.
Coding change: c.785T>C on transcript NM_001243133.2 (MANE Select); coding-DNA position 785, T replaced by C.
Protein change: p.Val262Ala; replaces valine 262 with alanine.
Molecular consequence: missense variant.
Genome position (GRCh38, 1-based): chr1:247,424,234, T>C. VCF-style: chr1-247424234-T-C. GRCh37 (hg19) VCF-style: chr1-247587536-T-C.
Other names: c.785T>C, p.Val262Ala (NM_001079821.3, NM_001127461.3, NM_001127462.3 and 1 more transcripts); c.791T>C, p.Val264Ala (NM_004895.5); short protein forms V264A, V262A.
Identifiers: ClinVar variation 97971 (VCV000097971.1), dbSNP rs104895392, ClinGen allele CA281359.
Genomic context (GRCh38, chr1:247,424,234, plus strand): 5'-CGTCGGGGACACTCTACCAAGACAGGTTTGACTATCTGTTCTATATCCACTGTCGAGAGG[T>C]GAGCCTTGTGACACAGAGGAGCCTGGGGGACCTGATCATGAGCTGCTGCCCCGACCCAAA-3'
Protein context (NP_001230062.1, residues 252-272): DYLFYIHCRE[Val262Ala]SLVTQRSLGD

ClinVar aggregate classification (germline): not provided (0 of 4 stars; one submission).

Conditions:
Familial cold autoinflammatory syndrome 1 (FCAS1). Also called: CRYOPYRIN-ASSOCIATED PERIODIC SYNDROME 1; Familial cold inflammatory syndrome 1. Identifiers: Orphanet 47045, MedGen C4551895, MONDO:0007349, OMIM 120100.

Submission:

Unité médicale des maladies autoinflammatoires, CHRU Montpellier
No classification provided. Condition: Familial cold urticaria. Review status: no classification provided. Collection method: not provided. Allele origin: unknown.
Comment: also involved in OMIM 191900 and 607115